The following is an entry in ClinVar:

NM_001365536.1(SCN9A):c.5642C>G (p.Thr1881Arg)

Genes: SCN9A (sodium voltage-gated channel alpha subunit 9; minus strand), SCN1A-AS1 (SCN1A and SCN9A antisense RNA 1; plus strand). Cytogenetic location: 2q24.3.
Variant type: single nucleotide variant.
Coding change: c.5642C>G on transcript NM_001365536.1 (MANE Select); coding-DNA position 5642, C replaced by G.
Protein change: p.Thr1881Arg; replaces threonine 1881 with arginine.
Molecular consequence: missense variant.
Genome position (GRCh38, 1-based): chr2:166,198,997, G>C on the plus strand (C>G on the coding strand, the complement: SCN9A is on the minus strand). VCF-style: chr2-166198997-G-C. GRCh37 (hg19) VCF-style: chr2-167055507-G-C.
Other names: c.5609C>G, p.Thr1870Arg (NM_002977.4); short protein forms T1881R, T1870R.
Identifiers: ClinVar variation 4783376 (VCV004783376.1).

ClinVar aggregate classification (germline): Uncertain significance (1 of 4 stars; one submission).

Conditions:
Neuropathy, hereditary sensory and autonomic, type 2A (HSAN2A). Also called: ACROOSTEOLYSIS, GIACCAI TYPE; ACROOSTEOLYSIS, NEUROGENIC; WNK1-Related HSAN2 (HSAN2A); NEUROPATHY, HEREDITARY SENSORY RADICULAR, AUTOSOMAL RECESSIVE; MORVAN DISEASE; NEUROPATHY, CONGENITAL SENSORY. Identifiers: Orphanet 970, MedGen C2752089, MONDO:0024309, OMIM 201300.
Generalized epilepsy with febrile seizures plus, type 7 (GEFSP7). Also called: GEFS+, TYPE 7. Identifiers: Orphanet 36387, MedGen C2751778, MONDO:0013470, OMIM 613863.

Submission:

Labcorp Genetics (formerly Invitae), Labcorp
Classification: Uncertain significance for Neuropathy, hereditary sensory and autonomic, type 2A; Generalized epilepsy with febrile seizures plus, type 7. Last evaluated: 2025-09-05. Review status: criteria provided, single submitter. Criteria: Invitae Variant Classification Sherloc (09022015). Collection method: clinical testing. Allele origin: germline.
Comment: This sequence change replaces threonine, which is neutral and polar, with arginine, which is basic and polar, at codon 1870 of the SCN9A protein (p.Thr1870Arg). This variant is not present in population databases (gnomAD no frequency). This variant has not been reported in the literature in individuals affected with SCN9A-related conditions. Invitae Evidence Modeling of protein sequence and biophysical properties (such as structural, functional, and spatial information, amino acid conservation, physicochemical variation, residue mobility, and thermodynamic stability) has been performed for this missense variant. However, the output from this modeling did not meet the statistical confidence thresholds required to predict the impact of this variant on SCN9A protein function. In summary, the available evidence is currently insufficient to determine the role of this variant in disease. Therefore, it has been classified as a Variant of Uncertain Significance.